The following is an entry in ClinVar:

ClinVar aggregate classification (germline): Pathogenic. Review status: criteria provided, multiple submitters, no conflicts (2 of 4 stars). 3 submissions from 3 submitters: Pathogenic (2). 1 of the submissions does not count toward it. Last evaluated 2026-06-24.

Conditions:
Pendred syndrome (PDS). Also called: HYPOTHYROIDISM, CONGENITAL, DUE TO DYSHORMONOGENESIS, 2B; Pendred Syndrome (PDS); DEAFNESS WITH GOITER; GOITER-DEAFNESS SYNDROME; THYROID DYSHORMONOGENESIS 2B; THYROID HORMONOGENESIS, GENETIC DEFECT IN, 2B. Identifiers: Orphanet 705, MedGen C0271829, MONDO:0010134, OMIM 274600.
Autosomal recessive nonsyndromic hearing loss 4 (DFNB4). Also called: Enlarged vestibular aqueduct, digenic; FOXI1-Related Pendred Syndrome; KCNJ10-Related Pendred Syndrome; DEAFNESS, AUTOSOMAL RECESSIVE 4, WITH ENLARGED VESTIBULAR AQUEDUCT, DIGENIC; Deafness, autosomal recessive 4; NEUROSENSORY NONSYNDROMIC RECESSIVE DEAFNESS 4. Identifiers: Orphanet 90636, MedGen C3538946, MONDO:0010933, OMIM 600791.

Submissions (3):

Myriad Genetics, Inc.
Classification: Pathogenic for Pendred syndrome. Last evaluated: 2026-06-24. Review status: criteria provided, single submitter. Criteria: Myriad Autosomal Dominant, Autosomal Recessive and X-Linked Classification Criteria (2023). Collection method: clinical testing. Allele origin: unknown.
Comment: NM_000441.1(SLC26A4):c.415+2T>C is a variant in a canonical splice site classified as pathogenic in the context of Pendred syndrome. c.415+2T>C has been observed in cases with relevant disease (PMID: 34170635, 25372295, 23185506). Relevant functional assessments of this variant are not available in the literature. c.415+2T>C has not been observed in referenced population frequency databases. In summary, NM_000441.1(SLC26A4):c.415+2T>C is a variant in a canonical splice site in a gene where loss of function is a known mechanism of disease, is predicted to disrupt protein function, and has been observed more frequently in cases with the relevant disease than in healthy populations. Please note: this variant was assessed in the context of healthy population screening.

Natera, Inc.
Classification: Pathogenic for Pendred syndrome. Last evaluated: 2024-10-22. Review status: criteria provided, single submitter. Criteria: Natera Variant Classification Schema (03/2026). Collection method: clinical testing. Allele origin: germline.
Comment: The c.415+2T>C variant in SLC26A4 is a canonical splice donor site variant predicted to affect pre-mRNA splicing, which may result in an abnormal transcript and altered protein product. This variant is expected to result in nonsense mediated decay, truncation, or a dysfunctional protein product. This variant is rare in the general population with a frequency below the threshold expected for the associated phenotype(s). This variant has been observed in one or more individuals affected with the associated recessive disease, as either homozygous or compound heterozygous with a second variant (PMID: 34170635, 25372295). Given the available evidence, this variant is classified as Pathogenic.

Precision Medicine Center, Zhengzhou University
Classification: Pathogenic for Autosomal recessive nonsyndromic hearing loss 4. Review status: no assertion criteria provided. Collection method: research. Allele origin: germline. Affected: yes. Not counted in ClinVar's aggregate classification.
Comment: PVS1: Null variant in the gene with established LOF as a disease mechanism PM2: not found in gnomAD PM3_VeryStrong: Pathogenic mutation confirmed in trans in one patient and phase unknown in six patients PP4: Patient's phenotype highly specific for gene

Literature cited by the submitters: PubMed 23185506 (cited by Myriad Genetics, Inc.); PubMed 25372295 (cited by Myriad Genetics, Inc. and Natera, Inc.); PubMed 34170635 (cited by Myriad Genetics, Inc. and Natera, Inc.).

NM_000441.2(SLC26A4):c.415+2T>C

Gene: SLC26A4 (solute carrier family 26 member 4; plus strand). Cytogenetic location: 7q22.3.
Variant type: single nucleotide variant.
Coding change: c.415+2T>C on transcript NM_000441.2 (MANE Select); the canonical splice donor site of the intron after coding-DNA position 415, T replaced by C.
Molecular consequence: splice donor variant.
Genome position (GRCh38, 1-based): chr7:107,672,250, T>C. VCF-style: chr7-107672250-T-C. GRCh37 (hg19) VCF-style: chr7-107312695-T-C.
Other names: c.415+2T>C (NM_000441.1).
Identifiers: ClinVar variation 1065211 (VCV001065211.3), dbSNP rs2129311282, ClinGen allele CA368847372.